The following is an entry in ClinVar:

NM_005120.3(MED12):c.3445T>C (p.Cys1149Arg)

Gene: MED12 (mediator complex subunit 12; plus strand). Cytogenetic location: Xq13.1.
Variant type: single nucleotide variant.
Coding change: c.3445T>C on transcript NM_005120.3 (MANE Select); coding-DNA position 3445, T replaced by C.
Protein change: p.Cys1149Arg; replaces cysteine 1149 with arginine.
Molecular consequence: missense variant.
Genome position (GRCh38, 1-based): chrX:71,128,688, T>C. VCF-style: chrX-71128688-T-C. GRCh37 (hg19) VCF-style: chrX-70348538-T-C.
Other names: short protein forms C1149R.
Identifiers: ClinVar variation 3372729 (VCV003372729.1).

ClinVar aggregate classification (germline): Uncertain significance (1 of 4 stars; one submission).

Submission:

GeneDx
Classification: Uncertain significance. Last evaluated: 2024-04-16. Review status: criteria provided, single submitter. Criteria: GeneDx Variant Classification Process June 2021. Collection method: clinical testing. Allele origin: germline. Affected: yes.
Comment: Not observed at significant frequency in large population cohorts (gnomAD); In silico analysis indicates that this missense variant does not alter protein structure/function; Has not been previously published as pathogenic or benign to our knowledge